The following is an entry in ClinVar:

NM_002109.6(HARS1):c.1109T>C (p.Phe370Ser)

Gene: HARS1 (histidyl-tRNA synthetase 1; minus strand). Cytogenetic location: 5q31.3.
Variant type: single nucleotide variant.
Coding change: c.1109T>C on transcript NM_002109.6 (MANE Select); coding-DNA position 1109, T replaced by C.
Protein change: p.Phe370Ser; replaces phenylalanine 370 with serine.
Molecular consequence: missense variant.
Genome position (GRCh38, 1-based): chr5:140,676,739, A>G on the plus strand (T>C on the coding strand, the complement: HARS1 is on the minus strand). VCF-style: chr5-140676739-A-G. GRCh37 (hg19) VCF-style: chr5-140056324-A-G.
Other names: c.989T>C, p.Phe330Ser (NM_001258040.3); c.1049T>C, p.Phe350Ser (NM_001258041.3); c.929T>C, p.Phe310Ser (NM_001258042.3); c.887T>C, p.Phe296Ser (NM_001289092.2); c.767T>C, p.Phe256Ser (NM_001289093.2); c.1022T>C, p.Phe341Ser (NM_001289094.2); short protein forms F256S, F296S, F310S, F330S, F341S, F350S, F370S.
Identifiers: ClinVar variation 4811524 (VCV004811524.1).

ClinVar aggregate classification (germline): Uncertain significance (1 of 4 stars; one submission).

Conditions:
Usher syndrome type 3B. Also called: USHER SYNDROME, TYPE IIIB. Identifiers: MedGen C3281066, MONDO:0013788, OMIM 614504.

Submission:

Labcorp Genetics (formerly Invitae), Labcorp
Classification: Uncertain significance for Usher syndrome type 3B. Last evaluated: 2025-10-29. Review status: criteria provided, single submitter. Criteria: Invitae Variant Classification Sherloc (09022015). Collection method: clinical testing. Allele origin: germline.
Comment: This sequence change replaces phenylalanine, which is neutral and non-polar, with serine, which is neutral and polar, at codon 370 of the HARS protein (p.Phe370Ser). This variant is not present in population databases (gnomAD no frequency). This variant has not been reported in the literature in individuals affected with HARS-related conditions. Invitae Evidence Modeling of protein sequence and biophysical properties (such as structural, functional, and spatial information, amino acid conservation, physicochemical variation, residue mobility, and thermodynamic stability) indicates that this missense variant is expected to disrupt HARS protein function with a positive predictive value of 80%. In summary, the available evidence is currently insufficient to determine the role of this variant in disease. Therefore, it has been classified as a Variant of Uncertain Significance.